The following is an entry in ClinVar:

NM_001382430.1(AKT1):c.342G>C (p.Glu114Asp)

Gene: AKT1 (AKT serine/threonine kinase 1; minus strand). Cytogenetic location: 14q32.33.
Variant type: single nucleotide variant.
Coding change: c.342G>C on transcript NM_001382430.1 (MANE Select); coding-DNA position 342, G replaced by C.
Protein change: p.Glu114Asp; replaces glutamic acid 114 with aspartic acid.
Molecular consequence: missense variant.
Genome position (GRCh38, 1-based): chr14:104,775,745, C>G on the plus strand (G>C on the coding strand, the complement: AKT1 is on the minus strand). VCF-style: chr14-104775745-C-G. GRCh37 (hg19) VCF-style: chr14-105242082-C-G.
Other names: c.342G>C, p.Glu114Asp (NM_001014431.2, NM_001014432.2, NM_001382431.1 and 3 more transcripts); short protein forms E114D.
Identifiers: ClinVar variation 4574167 (VCV004574167.1).

ClinVar aggregate classification (germline): Uncertain significance (1 of 4 stars; one submission).

Conditions:
Inborn genetic diseases. Identifiers: MedGen C0950123, MeSH D030342.

Submission:

Ambry Genetics
Classification: Uncertain significance for Inborn genetic diseases. Last evaluated: 2025-12-13. Review status: criteria provided, single submitter. Criteria: Ambry Variant Classification Scheme 2023. Collection method: clinical testing. Allele origin: germline.
Comment: The p.E114D variant (also known as c.342G>C), located in coding exon 4 of the AKT1 gene, results from a G to C substitution at nucleotide position 342. The glutamic acid at codon 114 is replaced by aspartic acid, an amino acid with highly similar properties. This amino acid position is conserved. In addition, this alteration is predicted to be tolerated by in silico analysis. Based on the available evidence, the clinical significance of this variant remains unclear.